The following is an entry in ClinVar:

NM_002692.4(POLE2):c.418-10T>C

Gene: POLE2 (DNA polymerase epsilon 2, accessory subunit; minus strand). Cytogenetic location: 14q21.3.
Variant type: single nucleotide variant.
Coding change: c.418-10T>C on transcript NM_002692.4 (MANE Select); 10 bases into the intron before coding-DNA position 418, T replaced by C.
Molecular consequence: intron variant.
Genome position (GRCh38, 1-based): chr14:49,669,608, A>G on the plus strand (T>C on the coding strand, the complement: POLE2 is on the minus strand). VCF-style: chr14-49669608-A-G. GRCh37 (hg19) VCF-style: chr14-50136326-A-G.
Other names: c.340-10T>C (NM_001197330.2); c.418-10T>C (NM_001348384.2, NM_001197331.3); c.187-10T>C (NM_001348385.2).
Identifiers: ClinVar variation 3719373 (VCV003719373.3).

ClinVar aggregate classification (germline): Conflicting classifications of pathogenicity. Review status: criteria provided, conflicting classifications (1 of 4 stars). 2 submissions from 2 submitters: Uncertain significance (1); Likely benign (1). Last evaluated 2025-04-22.

gnomAD v4.1: 32 of 1,440,852 alleles (0.0022%); highest among the groups gnomAD compares: African/African-American, 0.0042%; no homozygotes.

Submissions (2):

Labcorp Genetics (formerly Invitae), Labcorp
Classification: Uncertain significance. Last evaluated: 2025-04-22. Review status: criteria provided, single submitter. Criteria: Invitae Variant Classification Sherloc (09022015). Collection method: clinical testing. Allele origin: germline.
Comment: This sequence change falls in intron 5 of the POLE2 gene. It does not directly change the encoded amino acid sequence of the POLE2 protein. This variant is present in population databases (rs770149933, gnomAD 0.005%). This variant has not been reported in the literature in individuals affected with POLE2-related conditions. ClinVar contains an entry for this variant (Variation ID: 3719373). Algorithms developed to predict the effect of sequence changes on RNA splicing suggest that this variant may create or strengthen a splice site. In summary, the available evidence is currently insufficient to determine the role of this variant in disease. Therefore, it has been classified as a Variant of Uncertain Significance.

Blueprint Genetics
Classification: Likely benign. Last evaluated: 2024-11-19. Review status: criteria provided, single submitter. Criteria: ACMG Guidelines, 2015. Collection method: clinical testing. Allele origin: germline.